The following is an entry in ClinVar:

ClinVar aggregate classification (germline): Conflicting classifications of pathogenicity. Review status: criteria provided, conflicting classifications (1 of 4 stars). 2 submissions from 2 submitters: Uncertain significance (1); Likely benign (1). Last evaluated 2025-12-01.

Conditions:
Cardiovascular phenotype. Identifiers: MedGen CN230736.
Andersen Tawil syndrome (LQT7). Also called: LONG QT SYNDROME 7; ANDERSEN CARDIODYSRHYTHMIC PERIODIC PARALYSIS; PERIODIC PARALYSIS, POTASSIUM-SENSITIVE CARDIODYSRHYTHMIC TYPE; Potassium-sensitive periodic paralysis, ventricular ectopy, and dysmorphic features; Andersen Syndrome. Identifiers: Orphanet 37553, MedGen C1563715, MONDO:0008222, OMIM 170390.
Short QT syndrome type 3. Identifiers: Orphanet 51083, MedGen C1865018, MONDO:0012314, OMIM 609622.

Allele frequency attached by ClinVar (database versions not stated): TOPMed below 0.00001; gnomAD exomes 0.00001.
gnomAD v4.1: 8 of 1,614,100 alleles (0.0005%); highest among the groups gnomAD compares: Non-Finnish European, 0.00051%; no homozygotes.

Submissions (2):

Labcorp Genetics (formerly Invitae), Labcorp
Classification: Uncertain significance for Short QT syndrome type 3; Andersen Tawil syndrome. Last evaluated: 2025-12-01. Review status: criteria provided, single submitter. Criteria: Invitae Variant Classification Sherloc (09022015). Collection method: clinical testing. Allele origin: germline.
Comment: This sequence change replaces alanine, which is neutral and non-polar, with threonine, which is neutral and polar, at codon 290 of the KCNJ2 protein (p.Ala290Thr). This variant is present in population databases (no rsID available, gnomAD 0.002%). This variant has not been reported in the literature in individuals affected with KCNJ2-related conditions. ClinVar contains an entry for this variant (Variation ID: 955520). Invitae Evidence Modeling of protein sequence and biophysical properties (such as structural, functional, and spatial information, amino acid conservation, physicochemical variation, residue mobility, and thermodynamic stability) has been performed for this missense variant. However, the output from this modeling did not meet the statistical confidence thresholds required to predict the impact of this variant on KCNJ2 protein function. In summary, the available evidence is currently insufficient to determine the role of this variant in disease. Therefore, it has been classified as a Variant of Uncertain Significance.

Ambry Genetics
Classification: Likely benign for Cardiovascular phenotype. Last evaluated: 2024-12-14. Review status: criteria provided, single submitter. Criteria: Ambry Variant Classification Scheme 2023. Collection method: clinical testing. Allele origin: germline.

NM_000891.3(KCNJ2):c.868G>A (p.Ala290Thr)

Gene: KCNJ2 (potassium inwardly rectifying channel subfamily J member 2; plus strand). Cytogenetic location: 17q24.3.
Variant type: single nucleotide variant.
Coding change: c.868G>A on transcript NM_000891.3 (MANE Select); coding-DNA position 868, G replaced by A.
Protein change: p.Ala290Thr; replaces alanine 290 with threonine.
Molecular consequence: missense variant.
Genome position (GRCh38, 1-based): chr17:70,175,907, G>A. VCF-style: chr17-70175907-G-A. GRCh37 (hg19) VCF-style: chr17-68172048-G-A.
Other names: short protein forms A290T.
Identifiers: ClinVar variation 955520 (VCV000955520.9), dbSNP rs895505794, ClinGen allele CA400862454.